The following is an entry in ClinVar:

NM_000479.5(AMH):c.915G>C (p.Pro305=)

Gene: AMH (anti-Mullerian hormone; plus strand). Cytogenetic location: 19p13.3.
Variant type: single nucleotide variant.
Coding change: c.915G>C on transcript NM_000479.5 (MANE Select); coding-DNA position 915, G replaced by C.
Protein change: p.Pro305=; no amino-acid change (proline 305 retained).
Molecular consequence: synonymous variant.
Genome position (GRCh38, 1-based): chr19:2,251,189, G>C. VCF-style: chr19-2251189-G-C. GRCh37 (hg19) VCF-style: chr19-2251188-G-C.
Identifiers: ClinVar variation 1694882 (VCV001694882.31), dbSNP rs1355044458, ClinGen allele CA505142899.
Genomic context (GRCh38, chr19:2,251,189, plus strand): 5'-CAGCGCAGACCCCTTCCTGGAGACGCTCACGCGCCTGGTGCGGGCGCTGCGGGTCCCCCC[G>C]GCCCGGGCCTCCGCGCCGCGCCTGGCCCTGGATCCGGACGCGCTGGCCGGCTTCCCGCAG-3'
Protein context (NP_000470.3, residues 295-315): TRLVRALRVP[Pro305=]ARASAPRLAL

ClinVar aggregate classification (germline): Likely benign (1 of 4 stars; one submission).

Allele frequency attached by ClinVar (database versions not stated): gnomAD 0.00001; gnomAD exomes 0.00001; TOPMed 0.00001.
gnomAD v4.1: 10 of 1,507,814 alleles (0.00066%); highest among the groups gnomAD compares: East Asian, 0.016%; no homozygotes.

Submission:

CeGaT Center for Human Genetics Tuebingen
Classification: Likely benign. Last evaluated: 2022-04-01. Review status: criteria provided, single submitter. Criteria: CeGaT Center For Human Genetics Tuebingen Variant Classification Criteria Version 2. Collection method: clinical testing. Allele origin: germline. Affected: yes. Observed: 1 variant allele.
Comment: AMH: BP4, BP7